The following is an entry in ClinVar:

ClinVar aggregate classification (germline): Uncertain significance (1 of 4 stars; one submission).

Conditions:
UNC5B-related disorder. Also called: UNC5B-related condition.

gnomAD v4.1: 1 of 1,613,716 alleles (0.000062%); no homozygotes.

Submission:

PreventionGenetics, part of Exact Sciences
Classification: Uncertain significance for UNC5B-related condition. Last evaluated: 2026-08-10. Review status: criteria provided, single submitter. Criteria: ACMG Guidelines, 2015. Collection method: clinical testing. Allele origin: germline.
Comment: The UNC5B c.917C>A variant is predicted to result in the amino acid substitution p.Thr306Lys. To our knowledge, this variant has not been reported in the literature or in a large population database (gnomAD), indicating this variant is rare. At this time, the clinical significance of this variant is uncertain due to the absence of conclusive functional and genetic evidence.

NM_170744.5(UNC5B):c.917C>A (p.Thr306Lys)

Gene: UNC5B (unc-5 netrin receptor B; plus strand). Cytogenetic location: 10q22.1.
Variant type: single nucleotide variant.
Coding change: c.917C>A on transcript NM_170744.5 (MANE Select); coding-DNA position 917, C replaced by A.
Protein change: p.Thr306Lys; replaces threonine 306 with lysine.
Molecular consequence: missense variant.
Genome position (GRCh38, 1-based): chr10:71,288,583, C>A. VCF-style: chr10-71288583-C-A. GRCh37 (hg19) VCF-style: chr10-73048340-C-A.
Other names: c.917C>A, p.Thr306Lys (NM_001244889.2); short protein forms T306K.
Identifiers: ClinVar variation 4995157 (VCV004995157.1).